The following is an entry in ClinVar:

ClinVar aggregate classification (germline): Likely benign (1 of 4 stars; one submission).

gnomAD v4.1: 1 of 1,613,214 alleles (0.000062%); highest among the groups gnomAD compares: Admixed American, 0.0017%; no homozygotes.

Submission:

CeGaT Center for Human Genetics Tuebingen
Classification: Likely benign. Last evaluated: 2025-07-01. Review status: criteria provided, single submitter. Criteria: CeGaT Center For Human Genetics Tuebingen Variant Classification Criteria Version 2. Collection method: clinical testing. Allele origin: germline. Affected: yes. Observed: 1 variant allele.
Comment: SPTAN1: BP4, BP7

NM_001130438.3(SPTAN1):c.6768G>A (p.Lys2256=)

Gene: SPTAN1 (spectrin alpha, non-erythrocytic 1; plus strand). Cytogenetic location: 9q34.11.
Variant type: single nucleotide variant.
Coding change: c.6768G>A on transcript NM_001130438.3 (MANE Select); coding-DNA position 6768, G replaced by A.
Protein change: p.Lys2256=; no amino-acid change (lysine 2256 retained).
Molecular consequence: synonymous variant.
Genome position (GRCh38, 1-based): chr9:128,632,132, G>A. VCF-style: chr9-128632132-G-A. GRCh37 (hg19) VCF-style: chr9-131394411-G-A.
Other names: c.6693G>A, p.Lys2231= (NM_001195532.2); c.6831G>A, p.Lys2277= (NM_001363759.2); c.6708G>A, p.Lys2236= (NM_001363765.2, NM_001375314.2); c.6855G>A, p.Lys2285= (NM_001375310.1); c.6768G>A, p.Lys2256= (NM_001375311.2); c.6804G>A, p.Lys2268= (NM_001375312.2, NM_001438440.1); c.6750G>A, p.Lys2250= (NM_001375313.1); c.6867G>A, p.Lys2289= (NM_001375318.1); and 6 more.
Identifiers: ClinVar variation 4084805 (VCV004084805.8).